The following is an entry in ClinVar:

NM_015046.7(SETX):c.727A>G (p.Met243Val)

Gene: SETX (senataxin; minus strand). Cytogenetic location: 9q34.13.
Variant type: single nucleotide variant.
Coding change: c.727A>G on transcript NM_015046.7 (MANE Select); coding-DNA position 727, A replaced by G.
Protein change: p.Met243Val; replaces methionine 243 with valine.
Molecular consequence: missense variant.
Genome position (GRCh38, 1-based): chr9:132,334,719, T>C on the plus strand (A>G on the coding strand, the complement: SETX is on the minus strand). VCF-style: chr9-132334719-T-C. GRCh37 (hg19) VCF-style: chr9-135210106-T-C.
Other names: c.727A>G, p.Met243Val (NM_001351527.2, NM_001351528.2); short protein forms M243V.
Identifiers: ClinVar variation 1973636 (VCV001973636.6), dbSNP rs1847482777, ClinGen allele CA375348840.
Genomic context (GRCh38, chr9:132,334,719, plus strand): 5'-GTTTGTCTGAGCCCAACAACAGGGAATCCATGGCTTGTTCCTCAAGAATGGTCAGCAACA[T>C]GCAAATACCTGTAAGATCATTTAGAGTTATCTTGAATTGATGAAATAATACTATACTAAT-3'
Protein context (NP_055861.3, residues 233-253): NYKSYWLGIC[Met243Val]LLTILEEQAM

ClinVar aggregate classification (germline): Uncertain significance. Review status: criteria provided, multiple submitters, no conflicts (2 of 4 stars). 2 submissions from 2 submitters: Uncertain significance (2). Last evaluated 2023-05-31.

Conditions:
Amyotrophic lateral sclerosis type 4 (ALS4). Also called: NEURONOPATHY, DISTAL HEREDITARY MOTOR, WITH PYRAMIDAL FEATURES; AMYOTROPHIC LATERAL SCLEROSIS 4, JUVENILE. Identifiers: Orphanet 357043, MedGen C1865409, MONDO:0011223, OMIM 602433.
Spinocerebellar ataxia, autosomal recessive, with axonal neuropathy 2 (SCAN2). Also called: Ataxia with Oculomotor Apraxia; ATAXIA-OCULOMOTOR APRAXIA 2; Ataxia with Oculomotor Apraxia Type 2; Ataxia-ocular apraxia-2. Identifiers: Orphanet 64753, MedGen C1853761, MONDO:0018996, OMIM 606002.

Allele frequency attached by ClinVar (database versions not stated): gnomAD exomes below 0.00001; TOPMed below 0.00001.
gnomAD v4.1: 6 of 1,614,108 alleles (0.00037%); highest among the groups gnomAD compares: Non-Finnish European, 0.00051%; no homozygotes.

Submissions (2):

GeneDx
Classification: Uncertain significance. Last evaluated: 2023-05-31. Review status: criteria provided, single submitter. Criteria: GeneDx Variant Classification Process June 2021. Collection method: clinical testing. Allele origin: germline. Affected: yes.
Comment: Not observed at significant frequency in large population cohorts (gnomAD); In silico analysis supports that this missense variant does not alter protein structure/function; Has not been previously published as pathogenic or benign to our knowledge

Labcorp Genetics (formerly Invitae), Labcorp
Classification: Uncertain significance for Amyotrophic lateral sclerosis type 4; Spinocerebellar ataxia, autosomal recessive, with axonal neuropathy 2. Last evaluated: 2022-04-20. Review status: criteria provided, single submitter. Criteria: Invitae Variant Classification Sherloc (09022015). Collection method: clinical testing. Allele origin: germline.
Comment: This sequence change replaces methionine, which is neutral and non-polar, with valine, which is neutral and non-polar, at codon 243 of the SETX protein (p.Met243Val). In summary, the available evidence is currently insufficient to determine the role of this variant in disease. Therefore, it has been classified as a Variant of Uncertain Significance. Advanced modeling of protein sequence and biophysical properties (such as structural, functional, and spatial information, amino acid conservation, physicochemical variation, residue mobility, and thermodynamic stability) performed at Invitae indicates that this missense variant is not expected to disrupt SETX protein function. This variant has not been reported in the literature in individuals affected with SETX-related conditions. This variant is not present in population databases (gnomAD no frequency).